The following is an entry in ClinVar:

NM_000264.5(PTCH1):c.2810C>G (p.Ser937Cys)

Gene: PTCH1 (patched 1; minus strand). Cytogenetic location: 9q22.32.
Variant type: single nucleotide variant.
Coding change: c.2810C>G on transcript NM_000264.5 (MANE Select); coding-DNA position 2810, C replaced by G.
Protein change: p.Ser937Cys; replaces serine 937 with cysteine.
Molecular consequence: missense variant. On other transcripts: non-coding transcript variant (1).
Genome position (GRCh38, 1-based): chr9:95,459,677, G>C on the plus strand (C>G on the coding strand, the complement: PTCH1 is on the minus strand). VCF-style: chr9-95459677-G-C. GRCh37 (hg19) VCF-style: chr9-98221959-G-C.
Other names: c.2612C>G, p.Ser871Cys (NM_001083602.3); c.2807C>G, p.Ser936Cys (NM_001083603.3); c.2357C>G, p.Ser786Cys (NM_001083604.3, NM_001083605.3, NM_001083606.3 and 1 more transcripts); c.2654C>G, p.Ser885Cys (NM_001354918.2); short protein forms S885C, S936C, S937C, S786C, S871C.
Identifiers: ClinVar variation 3311161 (VCV003311161.1).

ClinVar aggregate classification (germline): Uncertain significance (1 of 4 stars; one submission).

Conditions:
Hereditary cancer-predisposing syndrome. Also called: Neoplastic Syndromes, Hereditary; Tumor predisposition; Hereditary neoplastic syndrome; Hereditary Cancer Syndrome. Identifiers: Orphanet 140162, MedGen C0027672, MeSH D009386, MONDO:0015356.

gnomAD v4.1: 1 of 1,614,188 alleles (0.000062%); highest among the groups gnomAD compares: Non-Finnish European, 0.000085%; no homozygotes.

Submission:

Ambry Genetics
Classification: Uncertain significance for Hereditary cancer-predisposing syndrome. Last evaluated: 2024-04-13. Review status: criteria provided, single submitter. Criteria: Ambry Variant Classification Scheme 2023. Collection method: clinical testing. Allele origin: germline.
Comment: The p.S937C variant (also known as c.2810C>G), located in coding exon 17 of the PTCH1 gene, results from a C to G substitution at nucleotide position 2810. The serine at codon 937 is replaced by cysteine, an amino acid with dissimilar properties. This amino acid position is conserved. In addition, this alteration is predicted to be deleterious by in silico analysis. Based on the available evidence, the clinical significance of this variant remains unclear.